The following is an entry in ClinVar:

NM_001348768.2(HECW2):c.2914G>T (p.Asp972Tyr)

Gene: HECW2 (HECT, C2 and WW domain containing E3 ubiquitin protein ligase 2; minus strand). Cytogenetic location: 2q32.3.
Variant type: single nucleotide variant.
Coding change: c.2914G>T on transcript NM_001348768.2 (MANE Select); coding-DNA position 2914, G replaced by T.
Protein change: p.Asp972Tyr; replaces aspartic acid 972 with tyrosine.
Molecular consequence: missense variant.
Genome position (GRCh38, 1-based): chr2:196,292,651, C>A on the plus strand (G>T on the coding strand, the complement: HECW2 is on the minus strand). VCF-style: chr2-196292651-C-A. GRCh37 (hg19) VCF-style: chr2-197157375-C-A.
Other names: c.1846G>T, p.Asp616Tyr (NM_001304840.3); c.2914G>T, p.Asp972Tyr (NM_020760.4); short protein forms D972Y, D616Y.
Identifiers: ClinVar variation 5006187 (VCV005006187.2).

ClinVar aggregate classification (germline): Uncertain significance (1 of 4 stars; one submission).

Conditions:
Neurodevelopmental disorder with hypotonia, seizures, and absent language (NDHSAL). Identifiers: MedGen C4310643, MONDO:0014995, OMIM 617268.

Submission:

Juno Genomics, Hangzhou Juno Genomics, Inc
Classification: Uncertain significance for Neurodevelopmental disorder with hypotonia, seizures, and absent language. Review status: criteria provided, single submitter. Criteria: ACMG Guidelines, 2015. Collection method: clinical testing. Allele origin: germline.
Comment: Absent from controls (or at extremely low frequency if recessive) in Genome Aggregation Database.;Missense variant in a gene that has a low rate of benign missense variation.;Multiple lines of computational evidence support a deleterious effect on the gene or gene product.